The following is an entry in ClinVar:

ClinVar aggregate classification (germline): Benign (1 of 4 stars; one submission).

Allele frequency attached by ClinVar (database versions not stated): TOPMed 0.15802; gnomAD 0.16086; ExAC 0.19907; 1000 Genomes Project 30x 0.20628; 1000 Genomes Project 0.21026; gnomAD exomes 0.21219.
gnomAD v4.1: 91,844 of 470,526 alleles (20%); highest among the groups gnomAD compares: East Asian, 39%; 10,529 homozygotes.

Submission:

Unidad de Genómica Garrahan, Hospital de Pediatría Garrahan
Classification: Benign. Last evaluated: 2023-11-12. Review status: criteria provided, single submitter. Criteria: ACMG Guidelines, 2015. Collection method: clinical testing. Allele origin: germline. Affected: no. Observed: 41 variant alleles.
Comment: This variant is classified as Benign based on local population frequency. This variant was detected in 43% of patients studied by a panel of primary immunodeficiencies. Number of patients: 41. Only high quality variants are reported.

NM_000628.5(IL10RB):c.805-2099G>A

Genes: IFNAR2-IL10RB (IFNAR2-IL10RB readthrough; plus strand), IL10RB (interleukin 10 receptor subunit beta; plus strand). Cytogenetic location: 21q22.11.
Variant type: single nucleotide variant.
Coding change: c.805-2099G>A on transcript NM_000628.5 (MANE Select); 2099 bases into the intron before coding-DNA position 805, G replaced by A.
Molecular consequence: intron variant.
Genome position (GRCh38, 1-based): chr21:33,294,085, G>A. VCF-style: chr21-33294085-G-A. GRCh37 (hg19) VCF-style: chr21-34666390-G-A.
Other names: c.1465-2099G>A (NM_001414505.1); c.804+5824G>A (NM_001405849.1, NM_001405850.1); c.647-2099G>A (NM_001406840.1).
Identifiers: ClinVar variation 2628202 (VCV002628202.2), dbSNP rs999260, ClinGen allele CA10006258.
Genomic context (GRCh38, chr21:33,294,085, plus strand): 5'-ACAGGAAAGAACAGACGGAATGAACGGTAGAGGGGCCTGCTGGCATAAGCTCTCACCTCC[G>A]AGGCTAGAAGACTTTGCAGACTTGACCGTGGAGCCAGCCCCTGTAAGATCTGAGAAATCA-3'